The following is an entry in ClinVar:

ClinVar aggregate classification (germline): Uncertain significance (1 of 4 stars; one submission).

gnomAD v4.1: 8 of 1,614,174 alleles (0.0005%); highest among the groups gnomAD compares: Non-Finnish European, 0.00068%; no homozygotes.

Submission:

Labcorp Genetics (formerly Invitae), Labcorp
Classification: Uncertain significance. Last evaluated: 2024-04-18. Review status: criteria provided, single submitter. Criteria: Invitae Variant Classification Sherloc (09022015). Collection method: clinical testing. Allele origin: germline.
Comment: This sequence change replaces serine, which is neutral and polar, with tyrosine, which is neutral and polar, at codon 61 of the TYR protein (p.Ser61Tyr). This variant is not present in population databases (gnomAD no frequency). This missense change has been observed in individual(s) with oculocutaneous albinism (Invitae). In at least one individual the data is consistent with being in trans (on the opposite chromosome) from a pathogenic variant. Advanced modeling of protein sequence and biophysical properties (such as structural, functional, and spatial information, amino acid conservation, physicochemical variation, residue mobility, and thermodynamic stability) performed at Invitae indicates that this missense variant is not expected to disrupt TYR protein function with a negative predictive value of 80%. In summary, the available evidence is currently insufficient to determine the role of this variant in disease. Therefore, it has been classified as a Variant of Uncertain Significance.

NM_000372.5(TYR):c.182C>A (p.Ser61Tyr)

Gene: TYR (tyrosinase; plus strand). Cytogenetic location: 11q14.3.
Variant type: single nucleotide variant.
Coding change: c.182C>A on transcript NM_000372.5 (MANE Select); coding-DNA position 182, C replaced by A.
Protein change: p.Ser61Tyr; replaces serine 61 with tyrosine.
Molecular consequence: missense variant.
Genome position (GRCh38, 1-based): chr11:89,178,135, C>A. VCF-style: chr11-89178135-C-A. GRCh37 (hg19) VCF-style: chr11-88911303-C-A.
Other names: short protein forms S61Y.
Identifiers: ClinVar variation 3647883 (VCV003647883.2).